The following is an entry in ClinVar:

NM_001042545.2(LTBP4):c.977G>A (p.Arg326His)

Genes: LTBP4 (latent transforming growth factor beta binding protein 4; plus strand), LOC121627876 (Sharpr-MPRA regulatory region 12022; plus strand). Cytogenetic location: 19q13.2.
Variant type: single nucleotide variant.
Coding change: c.977G>A on transcript NM_001042545.2 (MANE Select); coding-DNA position 977, G replaced by A.
Protein change: p.Arg326His; replaces arginine 326 with histidine.
Molecular consequence: missense variant.
Genome position (GRCh38, 1-based): chr19:40,606,512, G>A. VCF-style: chr19-40606512-G-A. GRCh37 (hg19) VCF-style: chr19-41112418-G-A.
Other names: c.1178G>A, p.Arg393His (NM_001042544.1); c.1067G>A, p.Arg356His (NM_003573.2); short protein forms R356H, R326H, R393H.
Identifiers: ClinVar variation 1902930 (VCV001902930.5), dbSNP rs755353461, ClinGen allele CA9448156.

ClinVar aggregate classification (germline): Uncertain significance. Review status: criteria provided, multiple submitters, no conflicts (2 of 4 stars). 2 submissions from 2 submitters: Uncertain significance (2). Last evaluated 2022-07-26.

Conditions:
Inborn genetic diseases. Identifiers: MedGen C0950123, MeSH D030342.

Allele frequency attached by ClinVar (database versions not stated): gnomAD 0.00001; gnomAD exomes 0.00001; TOPMed 0.00003; ExAC 0.00004.
gnomAD v4.1: 7 of 1,566,462 alleles (0.00045%); highest among the groups gnomAD compares: Admixed American, 0.013%; no homozygotes.

Submissions (2):

Ambry Genetics
Classification: Uncertain significance for Inborn genetic diseases. Last evaluated: 2022-07-26. Review status: criteria provided, single submitter. Criteria: Ambry Variant Classification Scheme 2023. Collection method: clinical testing. Allele origin: germline.

Labcorp Genetics (formerly Invitae), Labcorp
Classification: Uncertain significance. Last evaluated: 2022-02-05. Review status: criteria provided, single submitter. Criteria: Invitae Variant Classification Sherloc (09022015). Collection method: clinical testing. Allele origin: germline.
Comment: This sequence change replaces arginine, which is basic and polar, with histidine, which is basic and polar, at codon 356 of the LTBP4 protein (p.Arg356His). In summary, the available evidence is currently insufficient to determine the role of this variant in disease. Therefore, it has been classified as a Variant of Uncertain Significance. Experimental studies and prediction algorithms are not available or were not evaluated, and the functional significance of this variant is currently unknown. This variant has not been reported in the literature in individuals affected with LTBP4-related conditions. The frequency data for this variant in the population databases is considered unreliable, as metrics indicate poor data quality at this position in the gnomAD database.